The following is an entry in ClinVar:

NM_017636.4(TRPM4):c.916G>C (p.Gly306Arg)

Gene: TRPM4 (transient receptor potential cation channel subfamily M member 4; plus strand). Cytogenetic location: 19q13.33.
Variant type: single nucleotide variant.
Coding change: c.916G>C on transcript NM_017636.4 (MANE Select); coding-DNA position 916, G replaced by C.
Protein change: p.Gly306Arg; replaces glycine 306 with arginine.
Molecular consequence: missense variant. On other transcripts: 5 prime UTR variant (1).
Genome position (GRCh38, 1-based): chr19:49,171,635, G>C. VCF-style: chr19-49171635-G-C. GRCh37 (hg19) VCF-style: chr19-49674892-G-C.
Other names: c.916G>C, p.Gly306Arg (NM_001195227.2); c.571G>C, p.Gly191Arg (NM_001321281.2); c.-638G>C (NM_001321282.2); c.394G>C, p.Gly132Arg (NM_001321283.2); c.67G>C, p.Gly23Arg (NM_001321285.2); short protein forms G306R, G191R, G132R, G23R.
Identifiers: ClinVar variation 3720005 (VCV003720005.2).
Genomic context (GRCh38, chr19:49,171,635, plus strand): 5'-TAGCGAATAGAGAACGCCACCCAGGCTCAGCTCCCATGTCTCCTCGTGGCTGGCTCAGGG[G>C]GAGCTGCGGACTGCCTGGCGGAGACCCTGGAAGACACTCTGGCCCCAGGGAGTGGGGGAG-3'
Protein context (NP_060106.2, residues 296-316): LPCLLVAGSG[Gly306Arg]AADCLAETLE

ClinVar aggregate classification (germline): Uncertain significance (1 of 4 stars; one submission).

Conditions:
Progressive familial heart block type IB (PFHB1B). Identifiers: Orphanet 871, MedGen C1970298, MONDO:0011474, OMIM 604559.

Submission:

Labcorp Genetics (formerly Invitae), Labcorp
Classification: Uncertain significance for Progressive familial heart block type IB. Last evaluated: 2024-09-10. Review status: criteria provided, single submitter. Criteria: Invitae Variant Classification Sherloc (09022015). Collection method: clinical testing. Allele origin: germline.
Comment: This sequence change replaces glycine, which is neutral and non-polar, with arginine, which is basic and polar, at codon 306 of the TRPM4 protein (p.Gly306Arg). This variant is not present in population databases (gnomAD no frequency). This variant has not been reported in the literature in individuals affected with TRPM4-related conditions. An algorithm developed to predict the effect of missense changes on protein structure and function (PolyPhen-2) suggests that this variant is likely to be disruptive. In summary, the available evidence is currently insufficient to determine the role of this variant in disease. Therefore, it has been classified as a Variant of Uncertain Significance.